The following is an entry in ClinVar:

NM_000103.4(CYP19A1):c.200G>A (p.Trp67Ter)

Genes: PIRC66 (piwi-interacting RNA cluster 66; plus strand), CYP19A1 (cytochrome P450 family 19 subfamily A member 1; minus strand), MIR4713HG (MIR4713 host gene; plus strand). Cytogenetic location: 15q21.2.
Variant type: single nucleotide variant.
Coding change: c.200G>A on transcript NM_000103.4 (MANE Select); coding-DNA position 200, G replaced by A.
Protein change: p.Trp67Ter; replaces tryptophan 67 with a stop codon.
Molecular consequence: nonsense.
Genome position (GRCh38, 1-based): chr15:51,236,955, C>T on the plus strand (G>A on the coding strand, the complement: CYP19A1 is on the minus strand). VCF-style: chr15-51236955-C-T. GRCh37 (hg19) VCF-style: chr15-51529152-C-T.
Other names: c.200G>A, p.Trp67Ter (NM_001347248.1, NM_001347249.2, NM_001347250.2 and 7 more transcripts); c.200G>A (NM_031226.2); short protein forms W67*.
Identifiers: ClinVar variation 1448719 (VCV001448719.8), dbSNP rs371981915, ClinGen allele CA7560138.

ClinVar aggregate classification (germline): Pathogenic/Likely pathogenic. Review status: criteria provided, multiple submitters, no conflicts (2 of 4 stars). 3 submissions from 3 submitters: Pathogenic (1); Likely pathogenic (2). Last evaluated 2025-10-21.

Conditions:
Aromatase deficiency. Also called: Increased aromatase activity; PSEUDOHERMAPHRODITISM, FEMALE, DUE TO PLACENTAL AROMATASE DEFICIENCY. Identifiers: Orphanet 91, MedGen C1960539, MONDO:0013301, OMIM 613546.

Allele frequency attached by ClinVar (database versions not stated): gnomAD exomes below 0.00001 and 0.00001; ExAC 0.00001; gnomAD 0.00001; TOPMed 0.00002; ESP Exome Variant Server 0.00008.
gnomAD v4.1: 14 of 1,614,090 alleles (0.00087%); highest among the groups gnomAD compares: Non-Finnish European, 0.0012%; no homozygotes.

Submissions (3):

Natera, Inc.
Classification: Likely pathogenic for Aromatase deficiency. Last evaluated: 2025-10-21. Review status: criteria provided, single submitter. Criteria: Natera Variant Classification Schema (03/2026). Collection method: clinical testing. Allele origin: germline.
Comment: The c.200G>A variant in CYP19A1 is a nonsense variant predicted to introduce a stop codon at amino acid 67. This variant is expected to result in nonsense mediated decay, truncation, or a dysfunctional protein product. This variant is rare in the general population with a frequency below the threshold expected for the associated phenotype(s). Given the available evidence, this variant is classified as Likely Pathogenic.

Revvity Omics, Revvity
Classification: Likely pathogenic. Last evaluated: 2025-06-10. Review status: criteria provided, single submitter. Criteria: ACMG Guidelines, 2015. Collection method: clinical testing. Allele origin: germline.

Labcorp Genetics (formerly Invitae), Labcorp
Classification: Pathogenic. Last evaluated: 2023-04-16. Review status: criteria provided, single submitter. Criteria: Invitae Variant Classification Sherloc (09022015). Collection method: clinical testing. Allele origin: germline.
Comment: This sequence change creates a premature translational stop signal (p.Trp67*) in the CYP19A1 gene. It is expected to result in an absent or disrupted protein product. Loss-of-function variants in CYP19A1 are known to be pathogenic (PMID: 14602738, 27086564, 27256151). This variant is present in population databases (rs371981915, gnomAD 0.0009%). This variant has not been reported in the literature in individuals affected with CYP19A1-related conditions. ClinVar contains an entry for this variant (Variation ID: 1448719). For these reasons, this variant has been classified as Pathogenic.

Literature cited by the submitters: PubMed 14602738 (cited by Labcorp Genetics (formerly Invitae), Labcorp); PubMed 27086564 (cited by Labcorp Genetics (formerly Invitae), Labcorp); PubMed 27256151 (cited by Labcorp Genetics (formerly Invitae), Labcorp).